The following is an entry in ClinVar:

NM_000168.6(GLI3):c.4181G>T (p.Arg1394Leu)

Gene: GLI3 (GLI family zinc finger 3; minus strand). Cytogenetic location: 7p14.1.
Variant type: single nucleotide variant.
Coding change: c.4181G>T on transcript NM_000168.6 (MANE Select); coding-DNA position 4181, G replaced by T.
Protein change: p.Arg1394Leu; replaces arginine 1394 with leucine.
Molecular consequence: missense variant.
Genome position (GRCh38, 1-based): chr7:41,964,892, C>A on the plus strand (G>T on the coding strand, the complement: GLI3 is on the minus strand). VCF-style: chr7-41964892-C-A. GRCh37 (hg19) VCF-style: chr7-42004490-C-A.
Other names: short protein forms R1394L.
Identifiers: ClinVar variation 2935736 (VCV002935736.3), dbSNP rs1443523787, ClinGen allele CA367315592.

ClinVar aggregate classification (germline): Uncertain significance (1 of 4 stars; one submission).

Conditions:
Pallister-Hall syndrome (PHS). Also called: HYPOTHALAMIC HAMARTOBLASTOMA, HYPOPITUITARISM, IMPERFORATE ANUS, AND POSTAXIAL POLYDACTYLY; GLI3-Related Pallister-Hall Syndrome. Identifiers: Orphanet 672, MedGen C0265220, MONDO:0007804, OMIM 146510.
Greig cephalopolysyndactyly syndrome (GCPS). Also called: POLYSYNDACTYLY WITH PECULIAR SKULL SHAPE; Greig syndrome; GLI3-Related Greig Cephalopolysyndactyly Syndrome. Identifiers: Orphanet 380, MedGen C0265306, MONDO:0008287, OMIM 175700.

Allele frequency attached by ClinVar (database versions not stated): TOPMed below 0.00001; gnomAD 0.00001.
gnomAD v4.1: 2 of 1,613,708 alleles (0.00012%); highest among the groups gnomAD compares: Non-Finnish European, 0.00017%; no homozygotes.

Submission:

Labcorp Genetics (formerly Invitae), Labcorp
Classification: Uncertain significance for Pallister-Hall syndrome; Greig cephalopolysyndactyly syndrome. Last evaluated: 2023-09-19. Review status: criteria provided, single submitter. Criteria: Invitae Variant Classification Sherloc (09022015). Collection method: clinical testing. Allele origin: germline.
Comment: This variant is not present in population databases (gnomAD no frequency). In summary, the available evidence is currently insufficient to determine the role of this variant in disease. Therefore, it has been classified as a Variant of Uncertain Significance. Advanced modeling of protein sequence and biophysical properties (such as structural, functional, and spatial information, amino acid conservation, physicochemical variation, residue mobility, and thermodynamic stability) performed at Invitae indicates that this missense variant is not expected to disrupt GLI3 protein function. This variant has not been reported in the literature in individuals affected with GLI3-related conditions. This sequence change replaces arginine, which is basic and polar, with leucine, which is neutral and non-polar, at codon 1394 of the GLI3 protein (p.Arg1394Leu).